The following is an entry in ClinVar:

ClinVar aggregate classification (germline): Uncertain significance (1 of 4 stars; one submission).

Submission:

GeneDx
Classification: Uncertain significance. Last evaluated: 2024-04-04. Review status: criteria provided, single submitter. Criteria: GeneDx Variant Classification Process June 2021. Collection method: clinical testing. Allele origin: germline. Affected: yes.
Comment: In silico analysis supports that this missense variant has a deleterious effect on protein structure/function; Not observed at significant frequency in large population cohorts (gnomAD); Has not been previously published as pathogenic or benign to our knowledge

NM_001044385.3(TMEM237):c.689T>G (p.Leu230Arg)

Gene: TMEM237 (transmembrane protein 237; minus strand). Cytogenetic location: 2q33.1.
Variant type: single nucleotide variant.
Coding change: c.689T>G on transcript NM_001044385.3 (MANE Select); coding-DNA position 689, T replaced by G.
Protein change: p.Leu230Arg; replaces leucine 230 with arginine.
Molecular consequence: missense variant.
Genome position (GRCh38, 1-based): chr2:201,629,410, A>C on the plus strand (T>G on the coding strand, the complement: TMEM237 is on the minus strand). VCF-style: chr2-201629410-A-C. GRCh37 (hg19) VCF-style: chr2-202494133-A-C.
Other names: c.665T>G, p.Leu222Arg (NM_152388.4); short protein forms L222R, L230R.
Identifiers: ClinVar variation 3371835 (VCV003371835.1).